The following is an entry in ClinVar:

NM_000441.2(SLC26A4):c.803A>G (p.Asn268Ser)

Gene: SLC26A4 (solute carrier family 26 member 4; plus strand). Cytogenetic location: 7q22.3.
Variant type: single nucleotide variant.
Coding change: c.803A>G on transcript NM_000441.2 (MANE Select); coding-DNA position 803, A replaced by G.
Protein change: p.Asn268Ser; replaces asparagine 268 with serine.
Molecular consequence: missense variant.
Genome position (GRCh38, 1-based): chr7:107,683,239, A>G. VCF-style: chr7-107683239-A-G. GRCh37 (hg19) VCF-style: chr7-107323684-A-G.
Other names: short protein forms N268S.
Identifiers: ClinVar variation 1313170 (VCV001313170.5), dbSNP rs200431470, ClinGen allele CA4432586.

ClinVar aggregate classification (germline): Uncertain significance. Review status: criteria provided, multiple submitters, no conflicts (2 of 4 stars). 3 submissions from 3 submitters: Uncertain significance (3). Last evaluated 2022-05-27.

Conditions:
Inborn genetic diseases. Identifiers: MedGen C0950123, MeSH D030342.
Autosomal recessive nonsyndromic hearing loss 4 (DFNB4). Also called: FOXI1-Related Pendred Syndrome; KCNJ10-Related Pendred Syndrome; DEAFNESS, AUTOSOMAL RECESSIVE 4, WITH ENLARGED VESTIBULAR AQUEDUCT, DIGENIC; Nonsyndromic enlarged vestibular aqueduct (NSEVA); Deafness, autosomal recessive 4; Enlarged vestibular aqueduct, digenic. Identifiers: Orphanet 90636, MedGen C3538946, MONDO:0010933, OMIM 600791.
Pendred syndrome (PDS). Also called: Pendred's syndrome; Pendred Syndrome (PDS); THYROID DYSHORMONOGENESIS 2B; THYROID HORMONOGENESIS, GENETIC DEFECT IN, 2B; DEAFNESS WITH GOITER; GOITER-DEAFNESS SYNDROME. Identifiers: Orphanet 705, MedGen C0271829, MONDO:0010134, OMIM 274600.

Allele frequency attached by ClinVar (database versions not stated): gnomAD 0.00002 and 0.00003; gnomAD exomes 0.00002; TOPMed 0.00002; ExAC 0.00004; 1000 Genomes Project 0.00040; 1000 Genomes Project 30x 0.00047.
gnomAD v4.1: 31 of 1,612,840 alleles (0.0019%); highest among the groups gnomAD compares: Admixed American, 0.012%; no homozygotes.

Submissions (3):

Ambry Genetics
Classification: Uncertain significance for Inborn genetic diseases. Last evaluated: 2022-05-27. Review status: criteria provided, single submitter. Criteria: Ambry Variant Classification Scheme 2023. Collection method: clinical testing. Allele origin: germline.

Fulgent Genetics
Classification: Uncertain significance for Pendred syndrome; Autosomal recessive nonsyndromic hearing loss 4. Last evaluated: 2022-01-13. Review status: criteria provided, single submitter. Criteria: ACMG Guidelines, 2015. Collection method: clinical testing. Allele origin: unknown.

GeneDx
Classification: Uncertain significance. Last evaluated: 2020-01-21. Review status: criteria provided, single submitter. Criteria: GeneDx Variant Classification Process June 2021. Collection method: clinical testing. Allele origin: germline. Affected: yes.
Comment: In silico analysis, which includes protein predictors and evolutionary conservation, supports a deleterious effect; Has not been previously published as pathogenic or benign to our knowledge